The following is an entry in ClinVar:

ClinVar aggregate classification (germline): Uncertain significance (1 of 4 stars; one submission).

Submission:

Labcorp Genetics (formerly Invitae), Labcorp
Classification: Uncertain significance. Last evaluated: 2025-12-08. Review status: criteria provided, single submitter. Criteria: Invitae Variant Classification Sherloc (09022015). Collection method: clinical testing. Allele origin: germline.
Comment: This variant, c.211_213dup, results in the insertion of 1 amino acid(s) of the RUNX2 protein (p.Gln71dup), but otherwise preserves the integrity of the reading frame. The frequency data for this variant in the population databases is considered unreliable, as metrics indicate poor data quality at this position in the gnomAD database. This variant has not been reported in the literature in individuals affected with RUNX2-related conditions. Experimental studies and prediction algorithms are not available or were not evaluated, and the functional significance of this variant is currently unknown. In summary, the available evidence is currently insufficient to determine the role of this variant in disease. Therefore, it has been classified as a Variant of Uncertain Significance.

NM_001024630.4(RUNX2):c.196CAG[7] (p.Gln71dup)

Genes: RUNX2 (RUNX family transcription factor 2; plus strand), LOC109611589 (runt related transcription factor 2 polyalanine expansion region; plus strand). Cytogenetic location: 6p21.1.
Variant type: Microsatellite.
Coding change: c.196CAG[7] on transcript NM_001024630.4 (MANE Select); seven copies in a row of the 3-base unit CAG starting at c.196; the reference has six copies in a row; one copy, 3 bases duplicated.
Protein change: p.Gln71dup; duplicates glutamine 71.
Molecular consequence: inframe insertion.
Genome position (GRCh38, 1-based): chr6:45,422,745-45,422,747, CAG duplicated; duplicating any 3 consecutive bases within chr6:45,422,730-45,422,747 gives the same sequence; the position shown is the placement nearest the transcript's 3' end. VCF-style (leftmost placement, unchanged base first): chr6-45422729-A-ACAG. GRCh37 (hg19) VCF-style: chr6-45390466-A-ACAG.
Other names: c.196CAG[7], p.Gln71dup (NM_001015051.4); c.154CAG[7], p.Gln57dup (NM_001278478.2, NM_001369405.1).
Identifiers: ClinVar variation 1429046 (VCV001429046.7), dbSNP rs751673070, ClinGen allele CA3836295.